The following is an entry in ClinVar:

NM_017654.4(SAMD9):c.2306A>C (p.Asp769Ala)

Gene: SAMD9 (sterile alpha motif domain containing 9; minus strand). Cytogenetic location: 7q21.2.
Variant type: single nucleotide variant.
Coding change: c.2306A>C on transcript NM_017654.4 (MANE Select); coding-DNA position 2306, A replaced by C.
Protein change: p.Asp769Ala; replaces aspartic acid 769 with alanine.
Molecular consequence: missense variant.
Genome position (GRCh38, 1-based): chr7:93,103,792, T>G on the plus strand (A>C on the coding strand, the complement: SAMD9 is on the minus strand). VCF-style: chr7-93103792-T-G. GRCh37 (hg19) VCF-style: chr7-92733105-T-G.
Other names: c.2306A>C, p.Asp769Ala (NM_001193307.2); short protein forms D769A.
Identifiers: ClinVar variation 4529764 (VCV004529764.1).

ClinVar aggregate classification (germline): Uncertain significance (1 of 4 stars; one submission).

Submission:

GeneDx
Classification: Uncertain significance. Last evaluated: 2025-05-15. Review status: criteria provided, single submitter. Criteria: GeneDx Variant Classification Process June 2021. Collection method: clinical testing. Allele origin: germline. Affected: yes.
Comment: Not observed at significant frequency in large population cohorts (gnomAD); In silico analysis suggests that this missense variant does not alter protein structure/function; Has not been previously published as pathogenic or benign to our knowledge; This variant is associated with the following publications: (PMID: 28545555)